The following is an entry in ClinVar:

ClinVar aggregate classification (germline): Pathogenic/Likely pathogenic. Review status: criteria provided, multiple submitters, no conflicts (2 of 4 stars). 2 submissions from 2 submitters: Pathogenic (1); Likely pathogenic (1). Last evaluated 2024-10-07.

Submissions (2):

Labcorp Genetics (formerly Invitae), Labcorp
Classification: Likely pathogenic. Last evaluated: 2024-10-07. Review status: criteria provided, single submitter. Criteria: Invitae Variant Classification Sherloc (09022015). Collection method: clinical testing. Allele origin: germline.
Comment: This sequence change replaces glycine, which is neutral and non-polar, with glutamic acid, which is acidic and polar, at codon 1676 of the COL7A1 protein (p.Gly1676Glu). This variant is not present in population databases (gnomAD no frequency). This missense change has been observed in individual(s) with autosomal dominant epidermolysis bullosa dystrophica (PMID: 23397949, 33274474). ClinVar contains an entry for this variant (Variation ID: 279789). Invitae Evidence Modeling of protein sequence and biophysical properties (such as structural, functional, and spatial information, amino acid conservation, physicochemical variation, residue mobility, and thermodynamic stability) indicates that this missense variant is expected to disrupt COL7A1 protein function with a positive predictive value of 95%. This variant disrupts the triple helix domain of COL7A1. Glycine residues within the Gly-Xaa-Yaa repeats of the triple helix domain are required for the structure and stability of fibrillar collagens (PMID: 7695699, 8218237, 19344236), and variants at these glycine residues in COL7A1 are more frequently observed in individuals with disease than in the general population (PMID: 22058051). However, the clinical significance of this observation remains uncertain since only a limited number of affected individuals have been described to date. In summary, the currently available evidence indicates that the variant is pathogenic, but additional data are needed to prove that conclusively. Therefore, this variant has been classified as Likely Pathogenic.

GeneDx
Classification: Pathogenic. Last evaluated: 2018-04-11. Review status: criteria provided, single submitter. Criteria: GeneDx Variant Classification (06012015). Collection method: clinical testing. Allele origin: germline. Affected: yes.
Comment: This variant is not observed in large population cohorts (Lek et al., 2016; 1000 Genomes Consortium et al., 2015;Exome Variant Server). The G1676E variant is a non-conservative amino acid substitution, which is likely to impact secondary protein structure as these residues differ in polarity, charge, size and/orother properties. In addition, this substitution occurs at a position that is conserved across species. In silico analysis predicts the G1676E variant is probably damaging to the protein structure/function, as it occurs at a Glycine position of the canonical Gly-X-Y repeat in the collagenous domain of the COLVII protein. Glycine substitutions in this region of the protein destabilize the COLVII triple helix yielding fragile and unstable anchoring fibrils that are unable to adequately anchor the basement membrane of the epidermis to the dermis resulting in skin fragility. Missense variants in nearby Glycine residues (G1673R and P1678L) have been reported in the Human Gene Mutation Database in association with DEB (Stenson et al., 2014), supporting the functional importance of this region of the protein. We interpret G1676E as a pathogenic variant.

Literature cited by the submitters: PubMed 23397949 (cited by Labcorp Genetics (formerly Invitae), Labcorp); PubMed 33274474 (cited by Labcorp Genetics (formerly Invitae), Labcorp); PubMed 7695699 (cited by Labcorp Genetics (formerly Invitae), Labcorp); PubMed 8218237 (cited by Labcorp Genetics (formerly Invitae), Labcorp); PubMed 19344236 (cited by Labcorp Genetics (formerly Invitae), Labcorp); PubMed 22058051 (cited by Labcorp Genetics (formerly Invitae), Labcorp).

NM_000094.4(COL7A1):c.5027G>A (p.Gly1676Glu)

Gene: COL7A1 (collagen type VII alpha 1 chain; minus strand). Cytogenetic location: 3p21.31.
Variant type: single nucleotide variant.
Coding change: c.5027G>A on transcript NM_000094.4 (MANE Select); coding-DNA position 5027, G replaced by A.
Protein change: p.Gly1676Glu; replaces glycine 1676 with glutamic acid.
Molecular consequence: missense variant.
Genome position (GRCh38, 1-based): chr3:48,580,606, C>T on the plus strand (G>A on the coding strand, the complement: COL7A1 is on the minus strand). VCF-style: chr3-48580606-C-T. GRCh37 (hg19) VCF-style: chr3-48618039-C-T.
Other names: short protein forms G1676E.
Identifiers: ClinVar variation 279789 (VCV000279789.4), dbSNP rs886041188, ClinGen allele CA10602916.